The following is an entry in ClinVar:

NM_020066.5(FMN2):c.4510G>T (p.Gly1504Ter)

Gene: FMN2 (formin 2; plus strand). Cytogenetic location: 1q43.
Variant type: single nucleotide variant.
Coding change: c.4510G>T on transcript NM_020066.5 (MANE Select); coding-DNA position 4510, G replaced by T.
Protein change: p.Gly1504Ter; replaces glycine 1504 with a stop codon.
Molecular consequence: nonsense.
Genome position (GRCh38, 1-based): chr1:240,330,675, G>T. VCF-style: chr1-240330675-G-T. GRCh37 (hg19) VCF-style: chr1-240493975-G-T.
Other names: c.4522G>T, p.Gly1508Ter (NM_001305424.2); c.2431G>T, p.Gly811Ter (NM_001348094.2); short protein forms G1504*, G1508*, G811*.
Identifiers: ClinVar variation 4813787 (VCV004813787.1).
Genomic context (GRCh38, chr1:240,330,675, plus strand): 5'-GGCCCAGGGGTTATGCAGGTTCTAGGTTTGGTTCTTGCCTTTGGCAACTACATGAATGGA[G>T]GAAATAAGACTCGAGGACAGGCAGATGGCTTTGGATTAGACATTCTTCCAAAACTGAAAG-3'

ClinVar aggregate classification (germline): Likely pathogenic (1 of 4 stars; one submission).

Conditions:
Intellectual developmental disorder, autosomal recessive 47. Also called: Intellectual disability, autosomal recessive 47. Identifiers: Orphanet 88616, MedGen C4015444, MONDO:0014524, OMIM 616193.

Submission:

Variantyx, Inc.
Classification: Likely pathogenic for Intellectual developmental disorder, autosomal recessive 47. Last evaluated: 2025-11-24. Review status: criteria provided, single submitter. Criteria: Variantyx Assertion Criteria 2022. Collection method: clinical testing. Allele origin: germline. Inheritance: Autosomal recessive inheritance.
Comment: This is a nonsense variant in the FMN2 gene (OMIM: 606373). Pathogenic variants in this gene have been associated with autosomal recessive intellectual developmental disorder 47. This variant introduces a premature termination codon in exon 11 out of 1 and is expected to result in loss of function, which is a known disease mechanism for FMN2 in this disorder (PMID: 25480035) (PVS1). This variant is absent from control populations (PM2) and it has not been reported in individuals with FMN2-related disorders in the databases available for review. Based on the current evidence, this variant is classified as likely pathogenic for autosomal recessive intellectual developmental disorder 47.

Literature cited by the submitters: PubMed 25480035.